The following is an entry in ClinVar:

NM_001370466.1(NOD2):c.1160A>G (p.Asn387Ser)

Gene: NOD2 (nucleotide binding oligomerization domain containing 2; plus strand). Cytogenetic location: 16q12.1.
Variant type: single nucleotide variant.
Coding change: c.1160A>G on transcript NM_001370466.1 (MANE Select); coding-DNA position 1160, A replaced by G.
Protein change: p.Asn387Ser; replaces asparagine 387 with serine.
Molecular consequence: missense variant. On other transcripts: non-coding transcript variant (1).
Genome position (GRCh38, 1-based): chr16:50,711,152, A>G. VCF-style: chr16-50711152-A-G. GRCh37 (hg19) VCF-style: chr16-50745063-A-G.
Other names: c.1241A>G (LRG_177t1); c.1160A>G, p.Asn387Ser (NM_001293557.2); c.1241A>G, p.Asn414Ser (NM_022162.3); short protein forms N414S, N387S.
Identifiers: ClinVar variation 97824 (VCV000097824.9), dbSNP rs104895429, ClinGen allele CA150184.

ClinVar aggregate classification (germline): Uncertain significance. Review status: criteria provided, multiple submitters, no conflicts (2 of 4 stars). 4 submissions from 4 submitters: Uncertain significance (3). 1 of the submissions does not count toward it. Last evaluated 2025-11-25.

Conditions:
Yao syndrome. Also called: Susceptibility to Yao syndrome. Identifiers: MedGen C4310620, MONDO:0015019, OMIM 617321.
Inflammatory bowel disease 1 (IBD1). Also called: INFLAMMATORY BOWEL DISEASE (CROHN DISEASE) 1; Inflammatory bowel disease 1, Crohn disease. Identifiers: MedGen CN260071, MONDO:0009960, OMIM 266600.
Blau syndrome (BLAUS). Also called: ARTHROCUTANEOUVEAL GRANULOMATOSIS; GRANULOMATOSIS, FAMILIAL JUVENILE SYSTEMIC; GRANULOMATOSIS, FAMILIAL, BLAU TYPE; GRANULOMATOUS INFLAMMATORY ARTHRITIS, DERMATITIS, AND UVEITIS, FAMILIAL; JABS SYNDROME. Identifiers: Orphanet 90340, MedGen C5201146, MONDO:0008523, OMIM 186580.
Regional enteritis. Also called: Enteritis, Granulomatous. Identifiers: MedGen C0678202, MeSH D003424.

Allele frequency attached by ClinVar (database versions not stated): ExAC 0.00006; TOPMed 0.00007; ESP Exome Variant Server 0.00008.
gnomAD v4.1: 135 of 1,614,004 alleles (0.0084%); highest among the groups gnomAD compares: Non-Finnish European, 0.011%; no homozygotes.

Submissions (4):

Labcorp Genetics (formerly Invitae), Labcorp
Classification: Uncertain significance for Regional enteritis; Blau syndrome. Last evaluated: 2025-11-25. Review status: criteria provided, single submitter. Criteria: Invitae Variant Classification Sherloc (09022015). Collection method: clinical testing. Allele origin: germline.
Comment: This sequence change replaces asparagine, which is neutral and polar, with serine, which is neutral and polar, at codon 414 of the NOD2 protein (p.Asn414Ser). This variant is present in population databases (rs104895429, gnomAD 0.02%). This missense change has been observed in individual(s) with Crohn disease or spondylarthropathy (PMID: 11875755, 12115249). ClinVar contains an entry for this variant (Variation ID: 97824). Invitae Evidence Modeling of protein sequence and biophysical properties (such as structural, functional, and spatial information, amino acid conservation, physicochemical variation, residue mobility, and thermodynamic stability) indicates that this missense variant is not expected to disrupt NOD2 protein function with a negative predictive value of 95%. Experimental studies have shown that this missense change affects NOD2 function (PMID: 12626759). In summary, the available evidence is currently insufficient to determine the role of this variant in disease. Therefore, it has been classified as a Variant of Uncertain Significance.

Mayo Clinic Laboratories, Mayo Clinic
Classification: Uncertain significance. Last evaluated: 2022-06-07. Review status: criteria provided, single submitter. Criteria: ACMG Guidelines, 2015. Collection method: clinical testing. Allele origin: germline. Observed: 1 variant allele.
Comment: BS1

Fulgent Genetics
Classification: Uncertain significance for Blau syndrome; Inflammatory bowel disease 1; Yao syndrome. Last evaluated: 2022-04-11. Review status: criteria provided, single submitter. Criteria: ACMG Guidelines, 2015. Collection method: clinical testing. Allele origin: unknown.

Unité médicale des maladies autoinflammatoires, CHRU Montpellier
No classification provided. Condition: Sarcoidosis, early-onset. Review status: no classification provided. Collection method: not provided. Allele origin: unknown. Not counted in ClinVar's aggregate classification.
Comment: also involved in OMIM 186580 and 266600

Literature cited by the submitters: PubMed 11875755 (cited by Labcorp Genetics (formerly Invitae), Labcorp and Mayo Clinic Laboratories, Mayo Clinic); PubMed 12115249 (cited by Labcorp Genetics (formerly Invitae), Labcorp and Mayo Clinic Laboratories, Mayo Clinic); PubMed 12626759 (cited by Labcorp Genetics (formerly Invitae), Labcorp and Mayo Clinic Laboratories, Mayo Clinic).